The following is an entry in ClinVar:

NM_004168.4(SDHA):c.338A>T (p.Asn113Ile)

Gene: SDHA (succinate dehydrogenase complex flavoprotein subunit A; plus strand). Cytogenetic location: 5p15.33.
Variant type: single nucleotide variant.
Coding change: c.338A>T on transcript NM_004168.4 (MANE Select); coding-DNA position 338, A replaced by T.
Protein change: p.Asn113Ile; replaces asparagine 113 with isoleucine.
Molecular consequence: missense variant. On other transcripts: intron variant (1).
Genome position (GRCh38, 1-based): chr5:225,444, A>T. VCF-style: chr5-225444-A-T. GRCh37 (hg19) VCF-style: chr5-225559-A-T.
Other names: p.Asn113Ile; c.338A>T, p.Asn113Ile (NM_001330758.2); c.313-439A>T (NM_001294332.2); short protein forms N113I.
Identifiers: ClinVar variation 972484 (VCV000972484.12), dbSNP rs1734955271, ClinGen allele CA359009229.
Genomic context (GRCh38, chr5:225,444, plus strand): 5'-GTTTGTGGCTTGTAAGGAGTGGTTGGTGTTTCCAGGGAGGAATCAATGCTGCTCTGGGGA[A>T]CATGGAGGAGGACAACTGGAGGTGGCATTTCTACGACACCGTGAAGGGCTCCGACTGGCT-3'
Protein context (NP_004159.2, residues 103-123): AQGGINAALG[Asn113Ile]MEEDNWRWHF

ClinVar aggregate classification (germline): Uncertain significance. Review status: criteria provided, multiple submitters, no conflicts (2 of 4 stars). 3 submissions from 3 submitters: Uncertain significance (3). Last evaluated 2024-08-19.

Conditions:
Mitochondrial complex II deficiency, nuclear type 1. Also called: SUCCINATE CoQ REDUCTASE DEFICIENCY. Identifiers: Orphanet 3208, MedGen C5700310, MONDO:0100294, OMIM 252011.
Pheochromocytoma/paraganglioma syndrome 5. Also called: Paragangliomas 5; SDHA-Related Hereditary Paraganglioma-Pheochromocytoma Syndrome. Identifiers: Orphanet 29072, MedGen C3279992, MONDO:0013602, OMIM 614165.
Hereditary cancer-predisposing syndrome. Also called: Hereditary Cancer Syndrome; Neoplastic Syndromes, Hereditary; Tumor predisposition; Hereditary neoplastic syndrome. Identifiers: Orphanet 140162, MedGen C0027672, MeSH D009386, MONDO:0015356.

Submissions (3):

Mayo Clinic Laboratories, Mayo Clinic
Classification: Uncertain significance. Last evaluated: 2024-08-19. Review status: criteria provided, single submitter. Criteria: ACMG Guidelines, 2015. Collection method: clinical testing. Allele origin: germline. Observed: 1 variant allele.
Comment: PP3, PM2

Labcorp Genetics (formerly Invitae), Labcorp
Classification: Uncertain significance for Pheochromocytoma/paraganglioma syndrome 5; Mitochondrial complex II deficiency, nuclear type 1. Last evaluated: 2023-02-02. Review status: criteria provided, single submitter. Criteria: Invitae Variant Classification Sherloc (09022015). Collection method: clinical testing. Allele origin: germline.
Comment: In summary, the available evidence is currently insufficient to determine the role of this variant in disease. Therefore, it has been classified as a Variant of Uncertain Significance. Algorithms developed to predict the effect of missense changes on protein structure and function (SIFT, PolyPhen-2, Align-GVGD) all suggest that this variant is likely to be disruptive. ClinVar contains an entry for this variant (Variation ID: 972484). This variant has not been reported in the literature in individuals affected with SDHA-related conditions. This variant is not present in population databases (gnomAD no frequency). This sequence change replaces asparagine, which is neutral and polar, with isoleucine, which is neutral and non-polar, at codon 113 of the SDHA protein (p.Asn113Ile).

Ambry Genetics
Classification: Uncertain significance for Hereditary cancer-predisposing syndrome. Last evaluated: 2021-08-02. Review status: criteria provided, single submitter. Criteria: Ambry Variant Classification Scheme 2023. Collection method: clinical testing. Allele origin: germline.
Comment: The p.N113I variant (also known as c.338A>T), located in coding exon 4 of the SDHA gene, results from an A to T substitution at nucleotide position 338. The asparagine at codon 113 is replaced by isoleucine, an amino acid with dissimilar properties. However, this patient was also positive for a germline alteration in the PDHA1 gene and this patient's unaffected father was also found to be heterozygous for both of the SDHA alterations (Al-Shamsi A et al. Orphanet J Rare Dis, 2016 07;11:94). This amino acid position is highly conserved in available vertebrate species. In addition, this alteration is predicted to be deleterious by in silico analysis. Since supporting evidence is limited at this time, the clinical significance of this alteration remains unclear.

Literature cited by the submitters: PubMed 27391121 (cited by Mayo Clinic Laboratories, Mayo Clinic and Ambry Genetics).